The following is an entry in ClinVar:

NM_002427.4(MMP13):c.157G>T (p.Ala53Ser)

Genes: MMP13 (matrix metallopeptidase 13; minus strand), LOC126861318 (BRD4-independent group 4 enhancer GRCh37_chr11:102825894-102827093; plus strand). Cytogenetic location: 11q22.2.
Variant type: single nucleotide variant.
Coding change: c.157G>T on transcript NM_002427.4 (MANE Select); coding-DNA position 157, G replaced by T.
Protein change: p.Ala53Ser; replaces alanine 53 with serine.
Molecular consequence: missense variant.
Genome position (GRCh38, 1-based): chr11:102,955,457, C>A on the plus strand (G>T on the coding strand, the complement: MMP13 is on the minus strand). VCF-style: chr11-102955457-C-A. GRCh37 (hg19) VCF-style: chr11-102826186-C-A.
Other names: short protein forms A53S.
Identifiers: ClinVar variation 2504849 (VCV002504849.1), dbSNP rs776309041, ClinGen allele CA382233164.
Genomic context (GRCh38, chr11:102,955,457, plus strand): 5'-ACTGCATTTCTCGGAGCCTCTCAGTCATGGAGCTTGCTGCATTCTCCTTCAGGATTCCCG[C>A]GAGATTTGTAGGATGGTAGTATGATCTCAGGTAGCGCTAGAAAAGACACCAAAATGAACT-3'
Protein context (NP_002418.1, residues 43-63): LRSYYHPTNL[Ala53Ser]GILKENAASS

ClinVar aggregate classification (germline): Uncertain significance (1 of 4 stars; one submission).

gnomAD v4.1: 1 of 1,613,938 alleles (0.000062%); highest among the groups gnomAD compares: Non-Finnish European, 0.000085%; no homozygotes.

Submission:

GeneDx
Classification: Uncertain significance. Last evaluated: 2022-12-08. Review status: criteria provided, single submitter. Criteria: GeneDx Variant Classification Process June 2021. Collection method: clinical testing. Allele origin: germline. Affected: yes.
Comment: Not observed at significant frequency in large population cohorts (gnomAD); In silico analysis supports that this missense variant does not alter protein structure/function; Has not been previously published as pathogenic or benign to our knowledge